The following is an entry in ClinVar:

NC_000017.11:g.(?_43044294)_(43124116_43125270)del

Gene: BRCA1 (BRCA1 DNA repair associated; minus strand). Cytogenetic location: 17q21.31.
Variant type: Deletion.
Identifiers: ClinVar variation 981965 (VCV000981965.1).

ClinVar aggregate classification (germline): Pathogenic (1 of 4 stars; one submission).

Conditions:
Hereditary breast ovarian cancer syndrome. Also called: Hereditary breast and ovarian cancer syndrome; Hereditary breast and/or ovarian cancer syndrome; Hereditary breast and ovarian cancer syndrome (HBOC); Hereditary breast and ovarian cancer; Breast and ovarian cancer; BRCA1- and BRCA2-Associated Hereditary Breast and Ovarian Cancer. Identifiers: Orphanet 145, MedGen C0677776, MeSH D061325, MONDO:0003582. Disease mechanism: loss of function.

Submission:

Women's Health and Genetics/Laboratory Corporation of America, LabCorp
Classification: Pathogenic for Hereditary breast and ovarian cancer syndrome. Last evaluated: 2020-04-06. Review status: criteria provided, single submitter. Criteria: LabCorp Variant Classification Summary - May 2015. Collection method: clinical testing. Allele origin: germline.
Comment: Variant summary: The variant identified by MLPA or other technology involves the deletion of exons 2-23 in the BRCA1 gene, that encompasses the entire coding sequence of the gene. A presumed nomenclature of c.(-20+1_-19-1)_(*1384_?)del has been designated for the purposes of this classification. Although exact breakpoints of this duplication are not known, it is expected to result in the complete absence of the BRCA1 gene product. The variant was absent in approximately 20,000 control chromosomes (gnomAD, Structural Variants dataset). The variant, c.(-20+1_-19-1)_(*1384_?)del has been reported in the literature in several individuals affected with Hereditary Breast and Ovarian Cancer (James_2015, Nones_2019, Rebbeck_2018). These data indicate that the variant is very likely to be associated with disease. To our knowledge, no experimental evidence demonstrating an impact on protein function has been reported. No clinical diagnostic laboratories have submitted clinical-significance assessments for this variant to ClinVar after 2014. Based on the evidence outlined above, the variant was classified as pathogenic.

Literature cited by the submitters: PubMed 29446198; PubMed 25678442; PubMed 31090900.